The following is an entry in ClinVar:

ClinVar aggregate classification (germline): Likely benign. Review status: criteria provided, single submitter (1 of 4 stars). 2 submissions from 2 submitters: Likely benign (1). 1 of the submissions does not count toward it. Last evaluated 2024-03-17.

Conditions:
CCDC88C-related disorder. Also called: CCDC88C-related condition; CCDC88C-Related Disorders.

Allele frequency attached by ClinVar (database versions not stated): TOPMed 0.00001; gnomAD 0.00002; gnomAD exomes 0.00002; ExAC 0.00004; 1000 Genomes Project 30x 0.00016; 1000 Genomes Project 0.00020.
gnomAD v4.1: 32 of 1,612,670 alleles (0.002%); highest among the groups gnomAD compares: East Asian, 0.053%; no homozygotes.

Submissions (2):

Labcorp Genetics (formerly Invitae), Labcorp
Classification: Likely benign. Last evaluated: 2024-03-17. Review status: criteria provided, single submitter. Criteria: Invitae Variant Classification Sherloc (09022015). Collection method: clinical testing. Allele origin: germline.

PreventionGenetics, part of Exact Sciences
Classification: Likely benign for CCDC88C-related condition. Last evaluated: 2023-12-04. Review status: no assertion criteria provided. Collection method: clinical testing. Allele origin: germline. Not counted in ClinVar's aggregate classification.
Comment: This variant is classified as likely benign based on ACMG/AMP sequence variant interpretation guidelines (Richards et al. 2015 PMID: 25741868, with internal and published modifications).

NM_001080414.4(CCDC88C):c.1455G>A (p.Ala485=)

Gene: CCDC88C (coiled-coil and HOOK domain protein 88C; minus strand). Cytogenetic location: 14q32.11.
Variant type: single nucleotide variant.
Coding change: c.1455G>A on transcript NM_001080414.4 (MANE Select); coding-DNA position 1455, G replaced by A.
Protein change: p.Ala485=; no amino-acid change (alanine 485 retained).
Molecular consequence: synonymous variant.
Genome position (GRCh38, 1-based): chr14:91,321,192, C>T on the plus strand (G>A on the coding strand, the complement: CCDC88C is on the minus strand). VCF-style: chr14-91321192-C-T. GRCh37 (hg19) VCF-style: chr14-91787536-C-T.
Other names: c.1455G>A (NM_001080414.3).
Identifiers: ClinVar variation 2801500 (VCV002801500.5), dbSNP rs190723916, ClinGen allele CA7309901.
Genomic context (GRCh38, chr14:91,321,192, plus strand): 5'-CTGGTGGTTCTCCTTCTCCAGCTCCCCGCACTTGAGGCCGCTCTCCTCCAACACCAGGGA[C>T]GCGTCCCGCAGCCCCTGGATGGTGCTCTGGAGGCTCTGATTCTCCTTCTCCAGCTTCAGG-3'
Protein context (NP_001073883.2, residues 475-495): LQSTIQGLRD[Ala485=]SLVLEESGLK